The following is an entry in ClinVar:

ClinVar aggregate classification (germline): Uncertain significance. Review status: criteria provided, multiple submitters, no conflicts (2 of 4 stars). 2 submissions from 2 submitters: Uncertain significance (2). Last evaluated 2026-09-07.

Conditions:
Cardiovascular phenotype. Identifiers: MedGen CN230736.
Hypertrophic cardiomyopathy 14. Identifiers: MedGen C2750467, MONDO:0013197, OMIM 613251.

Allele frequency attached by ClinVar (database versions not stated): gnomAD 0.00001; TOPMed below 0.00001.

Submissions (2):

Ambry Genetics
Classification: Uncertain significance for Cardiovascular phenotype. Last evaluated: 2026-09-07. Review status: criteria provided, single submitter. Criteria: Ambry Variant Classification Scheme 2023. Collection method: clinical testing. Allele origin: germline.
Comment: The p.L1388F variant (also known as c.4162C>T), located in coding exon 27 of the MYH6 gene, results from a C to T substitution at nucleotide position 4162. The leucine at codon 1388 is replaced by phenylalanine, an amino acid with highly similar properties. This amino acid position is conserved. In addition, the in silico prediction for this alteration is inconclusive. Based on the available evidence, the clinical significance of this variant remains unclear.

Labcorp Genetics (formerly Invitae), Labcorp
Classification: Uncertain significance for Hypertrophic cardiomyopathy 14. Last evaluated: 2019-10-08. Review status: criteria provided, single submitter. Criteria: Invitae Variant Classification Sherloc (09022015). Collection method: clinical testing. Allele origin: germline.
Comment: This sequence change replaces leucine with phenylalanine at codon 1388 of the MYH6 protein (p.Leu1388Phe). The leucine residue is weakly conserved and there is a small physicochemical difference between leucine and phenylalanine. This variant is not present in population databases (ExAC no frequency). This variant has not been reported in the literature in individuals with MYH6-related conditions. Algorithms developed to predict the effect of missense changes on protein structure and function are either unavailable or do not agree on the potential impact of this missense change (SIFT: "Tolerated"; PolyPhen-2: "Probably Damaging"; Align-GVGD: "Class C0"). In summary, the available evidence is currently insufficient to determine the role of this variant in disease. Therefore, it has been classified as a Variant of Uncertain Significance.

NM_002471.4(MYH6):c.4162C>T (p.Leu1388Phe)

Gene: MYH6 (myosin heavy chain 6; minus strand). Cytogenetic location: 14q11.2.
Variant type: single nucleotide variant.
Coding change: c.4162C>T on transcript NM_002471.4 (MANE Select); coding-DNA position 4162, C replaced by T.
Protein change: p.Leu1388Phe; replaces leucine 1388 with phenylalanine.
Molecular consequence: missense variant.
Genome position (GRCh38, 1-based): chr14:23,388,872, G>A on the plus strand (C>T on the coding strand, the complement: MYH6 is on the minus strand). VCF-style: chr14-23388872-G-A. GRCh37 (hg19) VCF-style: chr14-23858081-G-A.
Other names: short protein forms L1388F.
Identifiers: ClinVar variation 968136 (VCV000968136.10), dbSNP rs1566507274, ClinGen allele CA389001354.